The following is an entry in ClinVar:

NM_000274.4(OAT):c.1165G>T (p.Asp389Tyr)

Gene: OAT (ornithine aminotransferase; minus strand). Cytogenetic location: 10q26.13.
Variant type: single nucleotide variant.
Coding change: c.1165G>T on transcript NM_000274.4 (MANE Select); coding-DNA position 1165, G replaced by T.
Protein change: p.Asp389Tyr; replaces aspartic acid 389 with tyrosine.
Molecular consequence: missense variant.
Genome position (GRCh38, 1-based): chr10:124,398,097, C>A on the plus strand (G>T on the coding strand, the complement: OAT is on the minus strand). VCF-style: chr10-124398097-C-A. GRCh37 (hg19) VCF-style: chr10-126086666-C-A.
Other names: c.751G>T, p.Asp251Tyr (NM_001171814.2); c.1165G>T, p.Asp389Tyr (NM_001322965.2, NM_001322966.2, NM_001322967.2 and 3 more transcripts); c.844G>T, p.Asp282Tyr (NM_001322971.2); c.565G>T, p.Asp189Tyr (NM_001322974.2); short protein forms D389Y, D282Y, D251Y, D189Y.
Identifiers: ClinVar variation 1436073 (VCV001436073.4), dbSNP rs1281980374, ClinGen allele CA378633266.

ClinVar aggregate classification (germline): Uncertain significance. Review status: criteria provided, multiple submitters, no conflicts (2 of 4 stars). 2 submissions from 2 submitters: Uncertain significance (2). Last evaluated 2022-11-07.

Conditions:
Ornithine aminotransferase deficiency (GACR). Also called: Ornithine ketoacid aminotransferase deficiency; Gyrate atrophy; Gyrate atrophy of choroid and retina; Girate atrophy of the retina; HYPERORNITHINEMIA WITH GYRATE ATROPHY OF CHOROID AND RETINA; OAT DEFICIENCY. Identifiers: Orphanet 414, MedGen C0018425, MONDO:0009796, OMIM 258870.

Allele frequency attached by ClinVar (database versions not stated): gnomAD 0.00001; gnomAD exomes 0.00001; TOPMed 0.00001.
gnomAD v4.1: 27 of 1,613,954 alleles (0.0017%); highest among the groups gnomAD compares: East Asian, 0.058%; no homozygotes.

Submissions (2):

Blueprint Genetics
Classification: Uncertain significance. Last evaluated: 2022-11-07. Review status: criteria provided, single submitter. Criteria: ACMG Guidelines, 2015. Collection method: clinical testing. Allele origin: germline.

Labcorp Genetics (formerly Invitae), Labcorp
Classification: Uncertain significance for Ornithine aminotransferase deficiency. Last evaluated: 2021-12-06. Review status: criteria provided, single submitter. Criteria: Invitae Variant Classification Sherloc (09022015). Collection method: clinical testing. Allele origin: germline.
Comment: This sequence change replaces aspartic acid, which is acidic and polar, with tyrosine, which is neutral and polar, at codon 389 of the OAT protein (p.Asp389Tyr). This variant is present in population databases (no rsID available, gnomAD 0.006%). This variant has not been reported in the literature in individuals affected with OAT-related conditions. Algorithms developed to predict the effect of missense changes on protein structure and function are either unavailable or do not agree on the potential impact of this missense change (SIFT: "Deleterious"; PolyPhen-2: "Probably Damaging"; Align-GVGD: "Class C0"). Algorithms developed to predict the effect of sequence changes on RNA splicing suggest that this variant may create or strengthen a splice site. In summary, the available evidence is currently insufficient to determine the role of this variant in disease. Therefore, it has been classified as a Variant of Uncertain Significance.